The following is an entry in ClinVar:

NM_000642.3(AGL):c.853C>T (p.Arg285Ter)

Gene: AGL (amylo-alpha-1,6-glucosidase and 4-alpha-glucanotransferase; plus strand). Cytogenetic location: 1p21.2.
Variant type: single nucleotide variant.
Coding change: c.853C>T on transcript NM_000642.3 (MANE Select); coding-DNA position 853, C replaced by T.
Protein change: p.Arg285Ter; replaces arginine 285 with a stop codon.
Molecular consequence: nonsense.
Genome position (GRCh38, 1-based): chr1:99,870,764, C>T. VCF-style: chr1-99870764-C-T. GRCh37 (hg19) VCF-style: chr1-100336320-C-T.
Other names: c.853C>T, p.Arg285Ter (NM_001425327.1, NM_000028.3, NM_000643.3 and 3 more transcripts); c.649C>T, p.Arg217Ter (NM_001425328.1, NM_001425329.1); c.475C>T, p.Arg159Ter (NM_001425332.1); c.805C>T, p.Arg269Ter (NM_000646.3); short protein forms R285*, R269*, R159*, R217*.
Identifiers: ClinVar variation 550128 (VCV000550128.21), dbSNP rs755747010, ClinGen allele CA966298.

ClinVar aggregate classification (germline): Pathogenic. Review status: criteria provided, multiple submitters, no conflicts (2 of 4 stars). 7 submissions from 7 submitters: Pathogenic (6). 1 of the submissions does not count toward it. Last evaluated 2025-10-13.

Conditions:
Glycogen storage disease type III (GSD3). Also called: FORBES DISEASE; Cori disease. Identifiers: Orphanet 366, MedGen C0017922, MONDO:0009291, OMIM 232400.

Allele frequency attached by ClinVar (database versions not stated): TOPMed below 0.00001; ExAC 0.00001; gnomAD 0.00001; gnomAD exomes 0.00001.
gnomAD v4.1: 19 of 1,591,868 alleles (0.0012%); highest among the groups gnomAD compares: East Asian, 0.0045%; no homozygotes.

Submissions (7):

Labcorp Genetics (formerly Invitae), Labcorp
Classification: Pathogenic for Glycogen storage disease type III. Last evaluated: 2025-10-13. Review status: criteria provided, single submitter. Criteria: Invitae Variant Classification Sherloc (09022015). Collection method: clinical testing. Allele origin: germline.
Comment: This sequence change creates a premature translational stop signal (p.Arg285*) in the AGL gene. It is expected to result in an absent or disrupted protein product. Loss-of-function variants in AGL are known to be pathogenic (PMID: 19299494). This variant is present in population databases (rs755747010, gnomAD 0.003%). This premature translational stop signal has been observed in individual(s) with glycogen storage disease type III (PMID: 16705713, 17895567, 18785866). In at least one individual the data is consistent with being in trans (on the opposite chromosome) from a pathogenic variant. ClinVar contains an entry for this variant (Variation ID: 550128). Algorithms developed to predict the effect of sequence changes on RNA splicing suggest that this variant may disrupt the consensus splice site. For these reasons, this variant has been classified as Pathogenic.

Johns Hopkins Genomics, Johns Hopkins University
Classification: Pathogenic for Glycogen storage disease type III. Last evaluated: 2025-04-28. Review status: criteria provided, single submitter. Criteria: ACMG Guidelines, 2015. Collection method: clinical testing. Allele origin: germline.
Comment: This AGL variant (rs755747010) is rare (<0.1%) in a large population datase4 (gnomADv4.1.0: 19/1591868 total alleles; 0.001%; no homozygotes) and has been reported in ClinVar. It has been reported in the literature in multiple individuals affected with GSD III. This nonsense variant in exon 7 of 34 results in a premature termination codon (PTC) likely leading to nonsense-mediated decay and lack of protein production. We consider c.853C>T to be pathogenic for autosomal recessive Glycogen Storage Disease Type III.

Natera, Inc.
Classification: Pathogenic for Glycogen storage disease type III. Last evaluated: 2024-03-30. Review status: criteria provided, single submitter. Criteria: Natera Variant Classification Schema (03/2026). Collection method: clinical testing. Allele origin: germline.
Comment: The c.853C>T variant in AGL is a nonsense variant predicted to introduce a stop codon at amino acid 285. This variant is expected to result in nonsense mediated decay, truncation, or a dysfunctional protein product. This variant is rare in the general population with a frequency below the threshold expected for the associated phenotype(s). This variant has been observed in one or more individuals affected with the associated recessive disease, as either homozygous or compound heterozygous with a second variant (PMID: 16705713). Functional studies show that this variant may disrupt protein function (PMID: 16705713). Given the available evidence, this variant is classified as Pathogenic.

Baylor Genetics
Classification: Pathogenic for Glycogen storage disease type III. Last evaluated: 2024-03-27. Review status: criteria provided, single submitter. Criteria: ACMG Guidelines, 2015. Collection method: clinical testing. Allele origin: unknown.

Genome-Nilou Lab
Classification: Pathogenic for Glycogen storage disease type III. Last evaluated: 2021-07-15. Review status: criteria provided, single submitter. Criteria: ACMG Guidelines, 2015. Collection method: clinical testing. Allele origin: germline. Affected: no.

Women's Health and Genetics/Laboratory Corporation of America, LabCorp
Classification: Pathogenic for Glycogen storage disease type III. Last evaluated: 2018-10-19. Review status: criteria provided, single submitter. Criteria: LabCorp Variant Classification Summary - May 2015. Collection method: clinical testing. Allele origin: germline.
Comment: Variant summary: AGL c.853C>T (p.Arg285X) results in a premature termination codon, predicted to cause a truncation of the encoded protein or absence of the protein due to nonsense mediated decay, which are commonly known mechanisms for disease. The variant allele was found at a frequency of 8.1e-06 in 245734 control chromosomes (gnomAD and publication). c.853C>T has been reported in the literature in multiple individuals affected with Glycogen Storage Disease Type III (Ko_2014, Lu_2016, Lucchiari_2006, Ogimoto_2007). These data indicate that the variant is very likely to be associated with disease. A functional study, Lucchiari_2006, found the variant to cause the "presence of two transcripts (Fig. 1), one correctly processed (860 bp PCR amplicon) producing a truncated protein and a second transcript excluding exon 8 (112 bp), which yields a delete and out-of-frame mRNA." A ClinVar submission from a clinical diagnostic laboratory (evaluation after 2014) cite the variant as pathogenic. Based on the evidence outlined above, the variant was classified as pathogenic.

Counsyl
Classification: Pathogenic for Glycogen storage disease type III. Last evaluated: 2017-01-06. Review status: no assertion criteria provided. Collection method: clinical testing. Allele origin: unknown. Not counted in ClinVar's aggregate classification.

Literature cited by the submitters: PubMed 19299494 (cited by Labcorp Genetics (formerly Invitae), Labcorp); PubMed 16705713 (cited by 5 submitters); PubMed 17895567 (cited by 4 submitters); PubMed 18785866 (cited by Labcorp Genetics (formerly Invitae), Labcorp and Johns Hopkins Genomics, Johns Hopkins University); PubMed 24257475 (cited by Johns Hopkins Genomics, Johns Hopkins University and Women's Health and Genetics/Laboratory Corporation of America, LabCorp); PubMed 26984562 (cited by Women's Health and Genetics/Laboratory Corporation of America, LabCorp).